The following is an entry in ClinVar:

ClinVar aggregate classification (germline): Uncertain significance. Review status: criteria provided, multiple submitters, no conflicts (2 of 4 stars). 3 submissions from 3 submitters: Uncertain significance (3). Last evaluated 2025-10-10.

Conditions:
Cardiovascular phenotype. Identifiers: MedGen CN230736.
Hereditary cancer-predisposing syndrome. Also called: Tumor predisposition; Hereditary neoplastic syndrome; Neoplastic Syndromes, Hereditary; Hereditary Cancer Syndrome. Identifiers: Orphanet 140162, MedGen C0027672, MeSH D009386, MONDO:0015356.
Neurofibromatosis, type 1 (NF1). Also called: VON RECKLINGHAUSEN DISEASE; Peripheral type neurofibromatosis; Neurofibromatosis, type I; NEUROFIBROMATOSIS, TYPE I, SOMATIC. Identifiers: Orphanet 636, MedGen C0027831, MONDO:0018975, OMIM 162200. Disease mechanism: loss of function.

Submissions (3):

Labcorp Genetics (formerly Invitae), Labcorp
Classification: Uncertain significance for Neurofibromatosis, type 1. Last evaluated: 2025-10-10. Review status: criteria provided, single submitter. Criteria: Invitae Variant Classification Sherloc (09022015). Collection method: clinical testing. Allele origin: germline.
Comment: This sequence change replaces phenylalanine, which is neutral and non-polar, with leucine, which is neutral and non-polar, at codon 1357 of the NF1 protein (p.Phe1357Leu). This variant is not present in population databases (gnomAD no frequency). This variant has not been reported in the literature in individuals affected with NF1-related conditions. ClinVar contains an entry for this variant (Variation ID: 1382614). Invitae Evidence Modeling of protein sequence and biophysical properties (such as structural, functional, and spatial information, amino acid conservation, physicochemical variation, residue mobility, and thermodynamic stability) has been performed for this missense variant. However, the output from this modeling did not meet the statistical confidence thresholds required to predict the impact of this variant on NF1 protein function. In summary, the available evidence is currently insufficient to determine the role of this variant in disease. Therefore, it has been classified as a Variant of Uncertain Significance.

GeneDx
Classification: Uncertain significance. Last evaluated: 2025-03-05. Review status: criteria provided, single submitter. Criteria: GeneDx Variant Classification Process June 2021. Collection method: clinical testing. Allele origin: germline. Affected: yes.
Comment: Not observed at significant frequency in large population cohorts (gnomAD); In silico analysis supports that this missense variant has a deleterious effect on protein structure/function; Has not been previously published as pathogenic or benign to our knowledge; This variant is associated with the following publications: (PMID: 25486365, 22807134)

Ambry Genetics
Classification: Uncertain significance for Cardiovascular phenotype; Hereditary cancer-predisposing syndrome. Last evaluated: 2025-03-03. Review status: criteria provided, single submitter. Criteria: Ambry Variant Classification Scheme 2023. Collection method: clinical testing. Allele origin: germline.
Comment: The p.F1357L variant (also known as c.4071C>G), located in coding exon 30 of the NF1 gene, results from a C to G substitution at nucleotide position 4071. The phenylalanine at codon 1357 is replaced by leucine, an amino acid with highly similar properties. This amino acid position is conserved. In addition, the in silico prediction for this alteration is inconclusive. Since supporting evidence is limited at this time, the clinical significance of this alteration remains unclear.

NM_001042492.3(NF1):c.4071C>G (p.Phe1357Leu)

Gene: NF1 (neurofibromin 1; plus strand). Cytogenetic location: 17q11.2.
Variant type: single nucleotide variant.
Coding change: c.4071C>G on transcript NM_001042492.3 (MANE Select); coding-DNA position 4071, C replaced by G.
Protein change: p.Phe1357Leu; replaces phenylalanine 1357 with leucine.
Molecular consequence: missense variant.
Genome position (GRCh38, 1-based): chr17:31,249,080, C>G. VCF-style: chr17-31249080-C-G. GRCh37 (hg19) VCF-style: chr17-29576098-C-G.
Other names: c.4071C>G, p.Phe1357Leu (NM_000267.4); short protein forms F1357L.
Identifiers: ClinVar variation 1382614 (VCV001382614.12), dbSNP rs747272290, ClinGen allele CA398995024.